The following is an entry in ClinVar:

NM_001008537.3(NEXMIF):c.4178G>A (p.Arg1393Lys)

Gene: NEXMIF (neurite extension and migration factor; minus strand). Cytogenetic location: Xq13.3.
Variant type: single nucleotide variant.
Coding change: c.4178G>A on transcript NM_001008537.3 (MANE Select); coding-DNA position 4178, G replaced by A.
Protein change: p.Arg1393Lys; replaces arginine 1393 with lysine.
Molecular consequence: missense variant.
Genome position (GRCh38, 1-based): chrX:74,740,379, C>T on the plus strand (G>A on the coding strand, the complement: NEXMIF is on the minus strand). VCF-style: chrX-74740379-C-T. GRCh37 (hg19) VCF-style: chrX-73960214-C-T.
Other names: short protein forms R1393K.
Identifiers: ClinVar variation 1501562 (VCV001501562.6), dbSNP rs2147438908, ClinGen allele CA413663853.
Genomic context (GRCh38, chrX:74,740,379, plus strand): 5'-GCACGACCAGGATCACCTATTGCTGTTTTCCCATTGCTTTTGCTCACACCCTTGATTGAC[C>T]TGTGATTCTTAGTGGCTCCTTGGGACCCACTGTTGATCTTTTTCTTAGACTCCTGTGGTG-3'
Protein context (NP_001008537.1, residues 1383-1403): SGSQGATKNH[Arg1393Lys]SIKGVSKSNG

ClinVar aggregate classification (germline): Uncertain significance (1 of 4 stars; one submission).

Submission:

Labcorp Genetics (formerly Invitae), Labcorp
Classification: Uncertain significance. Last evaluated: 2025-11-17. Review status: criteria provided, single submitter. Criteria: Invitae Variant Classification Sherloc (09022015). Collection method: clinical testing. Allele origin: germline.
Comment: This sequence change replaces arginine, which is basic and polar, with lysine, which is basic and polar, at codon 1393 of the NEXMIF protein (p.Arg1393Lys). This variant is not present in population databases (gnomAD no frequency). This variant has not been reported in the literature in individuals affected with NEXMIF-related conditions. ClinVar contains an entry for this variant (Variation ID: 1501562). An algorithm developed to predict the effect of missense changes on protein structure and function outputs the following: PolyPhen-2: "Benign". The lysine amino acid residue is found in multiple mammalian species, which suggests that this missense change does not adversely affect protein function. In summary, the available evidence is currently insufficient to determine the role of this variant in disease. Therefore, it has been classified as a Variant of Uncertain Significance.